The following is an entry in ClinVar:

ClinVar aggregate classification (germline): Conflicting classifications of pathogenicity. Review status: criteria provided, conflicting classifications (1 of 4 stars). 2 submissions from 2 submitters: Uncertain significance (1); Likely benign (1). Last evaluated 2026-01-28.

Allele frequency attached by ClinVar (database versions not stated): TOPMed 0.00013; ExAC 0.00046.
gnomAD v4.1: 66 of 1,408,228 alleles (0.0047%); highest among the groups gnomAD compares: East Asian, 0.11%; no homozygotes.

Submissions (2):

GeneDx
Classification: Uncertain significance. Last evaluated: 2026-01-28. Review status: criteria provided, single submitter. Criteria: GeneDx Variant Classification Process June 2021. Collection method: clinical testing. Allele origin: germline.
Comment: In silico analysis suggests that this missense variant does not alter protein structure/function; Has not been previously published as pathogenic or benign to our knowledge

Labcorp Genetics (formerly Invitae), Labcorp
Classification: Likely benign. Last evaluated: 2025-07-30. Review status: criteria provided, single submitter. Criteria: Invitae Variant Classification Sherloc (09022015). Collection method: clinical testing. Allele origin: germline.

NM_033419.5(PGAP3):c.8G>A (p.Gly3Asp)

Gene: PGAP3 (post-GPI attachment to proteins phospholipase 3; minus strand). Cytogenetic location: 17q12.
Variant type: single nucleotide variant.
Coding change: c.8G>A on transcript NM_033419.5 (MANE Select); coding-DNA position 8, G replaced by A.
Protein change: p.Gly3Asp; replaces glycine 3 with aspartic acid.
Molecular consequence: missense variant.
Genome position (GRCh38, 1-based): chr17:39,688,007, C>T on the plus strand (G>A on the coding strand, the complement: PGAP3 is on the minus strand). VCF-style: chr17-39688007-C-T. GRCh37 (hg19) VCF-style: chr17-37844260-C-T.
Other names: c.8G>A, p.Gly3Asp (NM_001291726.2, NM_001291728.2, NM_001291730.2 and 2 more transcripts); short protein forms G3D.
Identifiers: ClinVar variation 2046878 (VCV002046878.5), dbSNP rs767944583, ClinGen allele CA8533501.